The following is an entry in ClinVar:

ClinVar aggregate classification (germline): Uncertain significance. Review status: criteria provided, multiple submitters, no conflicts (2 of 4 stars). 2 submissions from 2 submitters: Uncertain significance (2). Last evaluated 2025-11-17.

Conditions:
Inborn genetic diseases. Identifiers: MedGen C0950123, MeSH D030342.
Baller-Gerold syndrome (BGS). Also called: CRANIOSYNOSTOSIS WITH RADIAL DEFECTS. Identifiers: Orphanet 1225, MedGen C0265308, MONDO:0009039, OMIM 218600.

Allele frequency attached by ClinVar (database versions not stated): gnomAD exomes below 0.00001 and 0.00001; gnomAD 0.00001; ExAC 0.00004; 1000 Genomes Project 0.00020; 1000 Genomes Project 30x 0.00031.

Submissions (2):

Labcorp Genetics (formerly Invitae), Labcorp
Classification: Uncertain significance for Baller-Gerold syndrome. Last evaluated: 2025-11-17. Review status: criteria provided, single submitter. Criteria: Invitae Variant Classification Sherloc (09022015). Collection method: clinical testing. Allele origin: germline.
Comment: This sequence change replaces glutamine, which is neutral and polar, with arginine, which is basic and polar, at codon 654 of the RECQL4 protein (p.Gln654Arg). This variant is not present in population databases (gnomAD no frequency). This variant has not been reported in the literature in individuals affected with RECQL4-related conditions. ClinVar contains an entry for this variant (Variation ID: 239714). Invitae Evidence Modeling of protein sequence and biophysical properties (such as structural, functional, and spatial information, amino acid conservation, physicochemical variation, residue mobility, and thermodynamic stability) indicates that this missense variant is not expected to disrupt RECQL4 protein function with a negative predictive value of 80%. In summary, the available evidence is currently insufficient to determine the role of this variant in disease. Therefore, it has been classified as a Variant of Uncertain Significance.

Ambry Genetics
Classification: Uncertain significance for Inborn genetic diseases. Last evaluated: 2025-03-22. Review status: criteria provided, single submitter. Criteria: Ambry Variant Classification Scheme 2023. Collection method: clinical testing. Allele origin: germline.
Comment: The p.Q654R variant (also known as c.1961A>G), located in coding exon 12 of the RECQL4 gene, results from an A to G substitution at nucleotide position 1961. The glutamine at codon 654 is replaced by arginine, an amino acid with highly similar properties. This amino acid position is conserved. In addition, this alteration is predicted to be tolerated by in silico analysis. Based on the available evidence, the clinical significance of this variant remains unclear.

NM_004260.4(RECQL4):c.1961A>G (p.Gln654Arg)

Gene: RECQL4 (RecQ like helicase 4; minus strand). Cytogenetic location: 8q24.3.
Variant type: single nucleotide variant.
Coding change: c.1961A>G on transcript NM_004260.4 (MANE Select); coding-DNA position 1961, A replaced by G.
Protein change: p.Gln654Arg; replaces glutamine 654 with arginine.
Molecular consequence: missense variant.
Genome position (GRCh38, 1-based): chr8:144,514,025, T>C on the plus strand (A>G on the coding strand, the complement: RECQL4 is on the minus strand). VCF-style: chr8-144514025-T-C. GRCh37 (hg19) VCF-style: chr8-145739409-T-C.
Other names: short protein forms Q654R.
Identifiers: ClinVar variation 239714 (VCV000239714.7), dbSNP rs534627012, ClinGen allele CA4948560.